The following is an entry in ClinVar:

NM_003060.4(SLC22A5):c.-107G>T

Genes: MIR3936HG (MIR3936 host gene; minus strand), SLC22A5 (solute carrier family 22 member 5; plus strand), LOC129994569 (ATAC-STARR-seq lymphoblastoid silent region 16317; plus strand). Cytogenetic location: 5q31.1.
Variant type: single nucleotide variant.
Coding change: c.-107G>T on transcript NM_003060.4 (MANE Select); 107 bases upstream of the start codon, G replaced by T.
Molecular consequence: 5 prime UTR variant. On other transcripts: non-coding transcript variant (1).
Genome position (GRCh38, 1-based): chr5:132,369,866, G>T. VCF-style: chr5-132369866-G-T. GRCh37 (hg19) VCF-style: chr5-131705558-G-T.
Other names: c.-107G>T (NM_001308122.2).
Identifiers: ClinVar variation 350809 (VCV000350809.5), dbSNP rs13180186, ClinGen allele CA10622608.

ClinVar aggregate classification (germline): Benign (1 of 4 stars; one submission).

Conditions:
Renal carnitine transport defect (CDSP). Also called: CARNITINE DEFICIENCY, SYSTEMIC, DUE TO DEFECT IN RENAL REABSORPTION OF CARNITINE; CARNITINE TRANSPORTER, PLASMA-MEMBRANE, DEFICIENCY OF; CARNITINE UPTAKE DEFECT; Primary carnitine deficiency; Systemic primary carnitine deficiency; Carnitine transporter deficiency. Identifiers: Orphanet 158, MedGen C0342788, MONDO:0008919, OMIM 212140.

Allele frequency attached by ClinVar (database versions not stated): gnomAD 0.07430 and 0.07658; TOPMed 0.07462; 1000 Genomes Project 30x 0.11134; 1000 Genomes Project 0.11901.
gnomAD v4.1: 116,942 of 1,456,946 alleles (8%); highest among the groups gnomAD compares: East Asian, 29%; 5,937 homozygotes.

Submission:

Illumina Laboratory Services, Illumina
Classification: Benign for Renal carnitine transport defect. Last evaluated: 2018-01-12. Review status: criteria provided, single submitter. Criteria: ICSL Variant Classification Criteria 13 December 2019. Collection method: clinical testing. Allele origin: germline.
Comment: This variant was observed in the ICSL laboratory as part of a predisposition screen in an ostensibly healthy population. It had not been previously curated by ICSL or reported in the Human Gene Mutation Database (HGMD: prior to June 1st, 2018), and was therefore a candidate for classification through an automated scoring system. Utilizing variant allele frequency, disease prevalence and penetrance estimates, and inheritance mode, an automated score was calculated to assess if this variant is too frequent to cause the disease. Based on the score and internal cut-off values, a variant classified as benign is not then subjected to further curation. The score for this variant resulted in a classification of benign for this disease.